The following is an entry in ClinVar:

NM_000135.4(FANCA):c.1635C>T (p.Ser545=)

Gene: FANCA (FA complementation group A; minus strand). Cytogenetic location: 16q24.3.
Variant type: single nucleotide variant.
Coding change: c.1635C>T on transcript NM_000135.4 (MANE Select); coding-DNA position 1635, C replaced by T.
Protein change: p.Ser545=; no amino-acid change (serine 545 retained).
Molecular consequence: synonymous variant.
Genome position (GRCh38, 1-based): chr16:89,779,949, G>A on the plus strand (C>T on the coding strand, the complement: FANCA is on the minus strand). VCF-style: chr16-89779949-G-A. GRCh37 (hg19) VCF-style: chr16-89846357-G-A.
Other names: c.1635C>T, p.Ser545= (NM_001286167.3).
Identifiers: ClinVar variation 3572384 (VCV003572384.2).

ClinVar aggregate classification (germline): Conflicting classifications of pathogenicity. Review status: criteria provided, conflicting classifications (1 of 4 stars). 2 submissions from 2 submitters: Uncertain significance (1); Likely benign (1). Last evaluated 2025-01-18.

Conditions:
Inborn genetic diseases. Identifiers: MedGen C0950123, MeSH D030342.

gnomAD v4.1: 1 of 1,614,180 alleles (0.000062%); highest among the groups gnomAD compares: Non-Finnish European, 0.000085%; no homozygotes.

Submissions (2):

Ambry Genetics
Classification: Likely benign for Inborn genetic diseases. Last evaluated: 2025-01-18. Review status: criteria provided, single submitter. Criteria: Ambry Variant Classification Scheme 2023. Collection method: clinical testing. Allele origin: germline.

Quest Diagnostics Nichols Institute San Juan Capistrano
Classification: Uncertain significance. Last evaluated: 2024-03-20. Review status: criteria provided, single submitter. Criteria: Quest Diagnostics criteria. Collection method: clinical testing. Allele origin: unknown.
Comment: The FANCA c.1635C>T (p.Ser545=) synonymous variant has not been reported in individuals with FANCA-related conditions in the published literature. It also has not been reported in large, multi-ethnic general populations (Genome Aggregation Database). Analysis of this variant using software algorithms for the prediction of the effect of nucleotide changes on FANCA mRNA splicing yielded inconclusive findings. Based on the available information, we are unable to determine the clinical significance of this variant.